The following is an entry in ClinVar:

NM_000283.4(PDE6B):c.1351A>G (p.Met451Val)

Gene: PDE6B (phosphodiesterase 6B; plus strand). Cytogenetic location: 4p16.3.
Variant type: single nucleotide variant.
Coding change: c.1351A>G on transcript NM_000283.4 (MANE Select); coding-DNA position 1351, A replaced by G.
Protein change: p.Met451Val; replaces methionine 451 with valine.
Molecular consequence: missense variant.
Genome position (GRCh38, 1-based): chr4:657,444, A>G. VCF-style: chr4-657444-A-G. GRCh37 (hg19) VCF-style: chr4-651233-A-G.
Other names: c.1351A>G, p.Met451Val (NM_001145291.2); c.514A>G, p.Met172Val (NM_001145292.2, NM_001350154.3, NM_001379246.1 and 1 more transcripts); c.196A>G, p.Met66Val (NM_001350155.3); short protein forms M172V, M451V, M66V.
Identifiers: ClinVar variation 968970 (VCV000968970.12), dbSNP rs375564041, ClinGen allele CA2794460.

ClinVar aggregate classification (germline): Uncertain significance. Review status: criteria provided, multiple submitters, no conflicts (2 of 4 stars). 3 submissions from 3 submitters: Uncertain significance (3). Last evaluated 2023-12-29.

Conditions:
Retinal dystrophy. Also called: Inherited retinal dystrophy. Identifiers: Orphanet 71862, MedGen C0854723, MeSH D058499, MONDO:0019118, HP:0000556.

Allele frequency attached by ClinVar (database versions not stated): ExAC 0.00001; gnomAD 0.00001 and 0.00002; gnomAD exomes 0.00001; TOPMed 0.00001; ESP Exome Variant Server 0.00008.
gnomAD v4.1: 23 of 1,613,140 alleles (0.0014%); highest among the groups gnomAD compares: East Asian, 0.0067%; no homozygotes.

Submissions (3):

Blueprint Genetics
Classification: Uncertain significance. Last evaluated: 2023-12-29. Review status: criteria provided, single submitter. Criteria: ACMG Guidelines, 2015. Collection method: clinical testing. Allele origin: germline.

Dept Of Ophthalmology, Nagoya University
Classification: Uncertain significance for Retinal dystrophy. Last evaluated: 2023-10-01. Review status: criteria provided, single submitter. Criteria: Submitter's publication. Collection method: research. Allele origin: germline. Affected: yes.

Labcorp Genetics (formerly Invitae), Labcorp
Classification: Uncertain significance. Last evaluated: 2022-07-22. Review status: criteria provided, single submitter. Criteria: Invitae Variant Classification Sherloc (09022015). Collection method: clinical testing. Allele origin: germline.
Comment: In summary, the available evidence is currently insufficient to determine the role of this variant in disease. Therefore, it has been classified as a Variant of Uncertain Significance. Algorithms developed to predict the effect of missense changes on protein structure and function are either unavailable or do not agree on the potential impact of this missense change (SIFT: "Deleterious"; PolyPhen-2: "Benign"; Align-GVGD: "Class C0"). ClinVar contains an entry for this variant (Variation ID: 968970). This variant has not been reported in the literature in individuals affected with PDE6B-related conditions. This variant is present in population databases (rs375564041, gnomAD 0.003%). This sequence change replaces methionine, which is neutral and non-polar, with valine, which is neutral and non-polar, at codon 451 of the PDE6B protein (p.Met451Val).